The following is an entry in ClinVar:

NM_006662.3(SRCAP):c.3455C>T (p.Ala1152Val)

Gene: SRCAP (Snf2 related CREBBP activator protein; plus strand). Cytogenetic location: 16p11.2.
Variant type: single nucleotide variant.
Coding change: c.3455C>T on transcript NM_006662.3 (MANE Select); coding-DNA position 3455, C replaced by T.
Protein change: p.Ala1152Val; replaces alanine 1152 with valine.
Molecular consequence: missense variant.
Genome position (GRCh38, 1-based): chr16:30,721,390, C>T. VCF-style: chr16-30721390-C-T. GRCh37 (hg19) VCF-style: chr16-30732711-C-T.
Other names: c.3455C>T (NM_006662.2); short protein forms A1152V.
Identifiers: ClinVar variation 3616678 (VCV003616678.3).

ClinVar aggregate classification (germline): Uncertain significance. Review status: criteria provided, multiple submitters, no conflicts (2 of 4 stars). 2 submissions from 2 submitters: Uncertain significance (2). Last evaluated 2026-02-17.

Conditions:
Inborn genetic diseases. Identifiers: MedGen C0950123, MeSH D030342.

gnomAD v4.1: 1 of 1,613,824 alleles (0.000062%); highest among the groups gnomAD compares: Admixed American, 0.0017%; no homozygotes.

Submissions (2):

Ambry Genetics
Classification: Uncertain significance for Inborn genetic diseases. Last evaluated: 2026-02-17. Review status: criteria provided, single submitter. Criteria: Ambry Variant Classification Scheme 2023. Collection method: clinical testing. Allele origin: germline.

Labcorp Genetics (formerly Invitae), Labcorp
Classification: Uncertain significance. Last evaluated: 2025-08-14. Review status: criteria provided, single submitter. Criteria: Invitae Variant Classification Sherloc (09022015). Collection method: clinical testing. Allele origin: germline.
Comment: This sequence change replaces alanine, which is neutral and non-polar, with valine, which is neutral and non-polar, at codon 1152 of the SRCAP protein (p.Ala1152Val). This variant is not present in population databases (gnomAD no frequency). This variant has not been reported in the literature in individuals affected with SRCAP-related conditions. ClinVar contains an entry for this variant (Variation ID: 3616678). Invitae Evidence Modeling of protein sequence and biophysical properties (such as structural, functional, and spatial information, amino acid conservation, physicochemical variation, residue mobility, and thermodynamic stability) indicates that this missense variant is not expected to disrupt SRCAP protein function with a negative predictive value of 80%. In summary, the available evidence is currently insufficient to determine the role of this variant in disease. Therefore, it has been classified as a Variant of Uncertain Significance.